The following continues an entry in ClinVar:

NM_007294.4(BRCA1):c.3113A>G (p.Glu1038Gly)

Gene: BRCA1. ClinVar aggregate classification (germline): Benign. Benign (1). ClinVar aggregate classification (somatic clinical impact): Tier IV - Benign/Likely benign.

Submissions 18 to 42 of 42:

Laboratory for Molecular Medicine, Mass General Brigham Personalized Medicine
Classification: Benign. Last evaluated: 2016-03-18. Review status: criteria provided, single submitter. Criteria: LMM Criteria. Collection method: clinical testing. Allele origin: germline. Observed: 2 variant alleles. Not counted in ClinVar's aggregate classification.
Comment: p.Glu1038Gly in exon 10 of BRCA1: This variant is not expected to have clinical significance because it has been identified in 34.3% (41604/121342) of all chrom osomes tested by the Exome Aggregation Consortium (ExAC; dbSNP rs16941).

Eurofins Ntd Llc (ga)
Classification: Benign. Last evaluated: 2016-01-07. Review status: criteria provided, single submitter. Criteria: EGL Classification Definitions 2015. Collection method: clinical testing. Allele origin: germline. Observed: 211 variant alleles, 182 heterozygotes, 29 homozygotes. Not counted in ClinVar's aggregate classification.

Clinical Genetics DNA and cytogenetics Diagnostics Lab, Erasmus MC, Erasmus Medical Center
Classification: Benign for Breast-ovarian cancer, familial, susceptibility to, 1. Last evaluated: 2015-09-21. Review status: criteria provided, single submitter. Criteria: ACGS Guidelines, 2013. Collection method: clinical testing. Allele origin: germline. Affected: yes. Study: VKGL Data-share Consensus. Not counted in ClinVar's aggregate classification.

Ambry Genetics
Classification: Benign for Hereditary cancer-predisposing syndrome. Last evaluated: 2014-11-18. Review status: criteria provided, single submitter. Criteria: Ambry Variant Classification Scheme 2023. Collection method: clinical testing. Allele origin: germline. Not counted in ClinVar's aggregate classification.

Color Diagnostics, LLC DBA Color Health
Classification: Benign for Hereditary cancer-predisposing syndrome. Last evaluated: 2014-11-04. Review status: criteria provided, single submitter. Criteria: ACMG Guidelines, 2015. Collection method: clinical testing. Allele origin: germline. Not counted in ClinVar's aggregate classification.

Molecular Genetics Laboratory, University of Michigan
Classification: Benign for Breast-ovarian cancer, familial, susceptibility to, 1. Last evaluated: 2014-11-03. Review status: criteria provided, single submitter. Criteria: ACMG Guidelines, 2015. Collection method: clinical testing. Allele origin: germline. Affected: yes. Not counted in ClinVar's aggregate classification.

Genome Diagnostics Laboratory, University Medical Center Utrecht
Classification: Benign for Breast-ovarian cancer, familial, susceptibility to, 1. Last evaluated: 2014-10-09. Review status: criteria provided, single submitter. Criteria: ACGS Guidelines, 2013. Collection method: clinical testing. Allele origin: germline. Affected: yes. Study: VKGL Data-share Consensus. Not counted in ClinVar's aggregate classification.

Women's Health and Genetics/Laboratory Corporation of America, LabCorp
Classification: Benign for Hereditary breast ovarian cancer syndrome. Last evaluated: 2013-12-19. Review status: criteria provided, single submitter. Criteria: LabCorp Variant Classification Summary - May 2015. Collection method: clinical testing. Allele origin: germline. Not counted in ClinVar's aggregate classification.

Breakthrough Genomics
Classification: Benign. Review status: criteria provided, single submitter. Criteria: ACMG Guidelines, 2015. Collection method: not provided. Allele origin: germline. Inheritance: Autosomal recessive inheritance. Affected: yes. Not counted in ClinVar's aggregate classification.

GreenArray Genomic Research & Solutions of Accurate Diagnostic Private Limited
Classification: Benign for Breast-ovarian cancer, familial, susceptibility to, 1. Review status: criteria provided, single submitter. Criteria: ACMG Guidelines, 2015. Collection method: clinical testing. Allele origin: germline. Affected: no. Not counted in ClinVar's aggregate classification.

PreventionGenetics, part of Exact Sciences
Classification: Benign. Review status: criteria provided, single submitter. Criteria: ACMG Guidelines, 2015. Collection method: clinical testing. Allele origin: germline. Not counted in ClinVar's aggregate classification.

Department of Medical Laboratory Science, Faculty of Allied Health Sciences, University of Peradeniya
Classification: Pathogenic for Malignant tumor of breast. Last evaluated: 2019-10-19. Review status: no assertion criteria provided. Collection method: research. Allele origin: germline. Affected: yes. Not counted in ClinVar's aggregate classification.

Mayo Clinic Laboratories, Mayo Clinic
Classification: Benign. Last evaluated: 2016-12-07. Review status: no assertion criteria provided. Collection method: clinical testing. Allele origin: unknown. Not counted in ClinVar's aggregate classification.

Counsyl
Classification: Benign for Breast-ovarian cancer, familial 1. Last evaluated: 2014-01-02. Review status: no assertion criteria provided. Collection method: literature only. Allele origin: unknown. Inheritance: Autosomal dominant inheritance. Not counted in ClinVar's aggregate classification.
Comment: High frequency in a 1kG or ESP population: 32.5 %. This submission and the accompanying classification are no longer maintained by the submitter.

ITMI
No classification provided. Condition: AllHighlyPenetrant. Last evaluated: 2013-09-19. Review status: no classification provided. Collection method: reference population. Allele origin: germline. Not counted in ClinVar's aggregate classification.
Comment: Please see associated publication for description of ethnicities

Biesecker Lab/Clinical Genomics Section, National Institutes of Health
Classification: Benign. Last evaluated: 2012-07-13. Review status: no assertion criteria provided. Collection method: research. Allele origin: germline. Affected: no. Observed: 313 variant alleles. Study: ClinSeq. Not counted in ClinVar's aggregate classification.
ClinVar note: Converted during submission from no known pathogenicity to Benign.

Sharing Clinical Reports Project (SCRP)
Classification: Benign for Breast-ovarian cancer, familial 1. Last evaluated: 2011-03-22. Review status: no assertion criteria provided. Collection method: clinical testing. Allele origin: germline. Not counted in ClinVar's aggregate classification.

Breast Cancer Information Core (BIC) (BRCA1)
No classification provided. Condition: Breast-ovarian cancer, familial 1. Review status: no classification provided. Collection method: clinical testing. Allele origin: germline, unknown. Affected: yes. Observed: 609 variant alleles. Not counted in ClinVar's aggregate classification.

Center for Precision Medicine, Meizhou People's Hospital
Classification: Uncertain significance for Familial cancer of breast. Review status: no assertion criteria provided. Collection method: literature only. Allele origin: germline. Affected: yes. Not counted in ClinVar's aggregate classification.

Center of Medical Genetics and Primary Health Care
Classification: Benign for Breast Cancer. Review status: no assertion criteria provided. Collection method: clinical testing. Allele origin: germline. Affected: yes. Not counted in ClinVar's aggregate classification.

Clinical Genetics Laboratory, Department of Pathology, Netherlands Cancer Institute
Classification: Benign. Review status: no assertion criteria provided. Collection method: clinical testing. Allele origin: germline. Affected: yes. Study: VKGL Data-share Consensus. Not counted in ClinVar's aggregate classification.

Department of Pathology and Laboratory Medicine, Sinai Health System
Classification: Benign. Review status: no assertion criteria provided. Collection method: clinical testing. Allele origin: unknown. Affected: yes. Observed: 1 variant allele. Study: The Canadian Open Genetics Repository (COGR). Not counted in ClinVar's aggregate classification.

Diagnostic Laboratory, Department of Genetics, University Medical Center Groningen
Classification: Benign for Breast-ovarian cancer, familial, susceptibility to, 1. Review status: no assertion criteria provided. Collection method: clinical testing. Allele origin: germline. Affected: yes. Study: VKGL Data-share Consensus. Not counted in ClinVar's aggregate classification.

Faculté Pluridciplinaire Nador, Université Mohamed Premier
Classification: Tier IV - Benign/Likely benign for Familial cancer of breast. Review status: no assertion criteria provided. Collection method: research. Allele origin: somatic. Affected: yes.
Comment: The following databases and algorithms are used to annotate and evaluate the impact of the variant in the context of human disease: 1000 genomes, gnomAD, ClinVar, OMIM, dbSNP, NCIB RefSeq Genes, ExAC Gene Constraints, VS-SIFT, VS-PolyPhen2, PhyloP, GERP++, GeneSplicer, MaxEntScan, NNSplice, PWM Splice Predictor.

Joint Genome Diagnostic Labs from Nijmegen and Maastricht, Radboudumc and MUMC+
Classification: Benign. Review status: no assertion criteria provided. Collection method: clinical testing. Allele origin: germline. Affected: yes. Study: VKGL Data-share Consensus. Not counted in ClinVar's aggregate classification.

Literature cited by the submitters: PubMed 21990134 (cited by Evidence-based Network for the Interpretation of Germline Mutant Alleles (ENIGMA)); DOI 10.3389/fgene.2022.834265 (cited by National Health Laboratory Service, Universitas Academic Hospital and University of the Free State); PubMed 36329109 (cited by Genetics Program, Instituto Nacional de Cancer); PubMed 21720365 (cited by Ambry Genetics); PubMed 23633455 (cited by Ambry Genetics); PubMed 24504028 (cited by Ambry Genetics); PubMed 27908594 (cited by Ambry Genetics); PubMed 29233532 (cited by Ambry Genetics); PubMed 30266954 (cited by Ambry Genetics); PubMed 20104584 (cited by Women's Health and Genetics/Laboratory Corporation of America, LabCorp and Center for Precision Medicine, Meizhou People's Hospital); PubMed 21702907 (cited by Women's Health and Genetics/Laboratory Corporation of America, LabCorp and Center for Precision Medicine, Meizhou People's Hospital); PubMed 12872265 (cited by Women's Health and Genetics/Laboratory Corporation of America, LabCorp); PubMed 9063749 (cited by Women's Health and Genetics/Laboratory Corporation of America, LabCorp); PubMed 24728327 (cited by ITMI); Ladopolou-et-al.,-Cancer-Lett,-185:61,-2002 (cited by Breast Cancer Information Core (BIC) (BRCA1)).